The following is an entry in ClinVar:

ClinVar aggregate classification (germline): Uncertain significance (1 of 4 stars; one submission).

Allele frequency attached by ClinVar (database versions not stated): gnomAD exomes 0.00001.
gnomAD v4.1: 3 of 1,551,662 alleles (0.00019%); highest among the groups gnomAD compares: South Asian, 0.0024%; no homozygotes.

Submission:

Labcorp Genetics (formerly Invitae), Labcorp
Classification: Uncertain significance. Last evaluated: 2024-01-26. Review status: criteria provided, single submitter. Criteria: Invitae Variant Classification Sherloc (09022015). Collection method: clinical testing. Allele origin: germline.
Comment: This sequence change replaces methionine, which is neutral and non-polar, with isoleucine, which is neutral and non-polar, at codon 2763 of the UNC80 protein (p.Met2763Ile). This variant is present in population databases (no rsID available, gnomAD 0.004%). This variant has not been reported in the literature in individuals affected with UNC80-related conditions. Advanced modeling of protein sequence and biophysical properties (such as structural, functional, and spatial information, amino acid conservation, physicochemical variation, residue mobility, and thermodynamic stability) performed at Invitae indicates that this missense variant is not expected to disrupt UNC80 protein function with a negative predictive value of 80%. In summary, the available evidence is currently insufficient to determine the role of this variant in disease. Therefore, it has been classified as a Variant of Uncertain Significance.

NM_001371986.1(UNC80):c.8487G>C (p.Met2829Ile)

Gene: UNC80 (unc-80 subunit of NALCN channel complex; plus strand). Cytogenetic location: 2q34.
Variant type: single nucleotide variant.
Coding change: c.8487G>C on transcript NM_001371986.1 (MANE Select); coding-DNA position 8487, G replaced by C.
Protein change: p.Met2829Ile; replaces methionine 2829 with isoleucine.
Molecular consequence: missense variant.
Genome position (GRCh38, 1-based): chr2:209,973,170, G>C. VCF-style: chr2-209973170-G-C. GRCh37 (hg19) VCF-style: chr2-210837894-G-C.
Other names: c.8289G>C, p.Met2763Ile (NM_032504.2); c.8274G>C, p.Met2758Ile (NM_182587.4); short protein forms M2758I, M2763I, M2829I.
Identifiers: ClinVar variation 2699582 (VCV002699582.3), dbSNP rs1331140655, ClinGen allele CA350413335.